The following is an entry in ClinVar:

ClinVar aggregate classification (germline): Uncertain significance (1 of 4 stars; one submission).

Conditions:
Peroxisome biogenesis disorder 12A (Zellweger). Also called: Peroxisome biogenesis disorder 12A. Identifiers: Orphanet 912, MedGen C3554002, MONDO:0013951, OMIM 614886.

Allele frequency attached by ClinVar (database versions not stated): gnomAD exomes below 0.00001; ExAC 0.00001; gnomAD 0.00001; TOPMed 0.00001; ESP Exome Variant Server 0.00008.
gnomAD v4.1: 5 of 1,612,376 alleles (0.00031%); highest among the groups gnomAD compares: African/African-American, 0.0013%; no homozygotes.

Submission:

Labcorp Genetics (formerly Invitae), Labcorp
Classification: Uncertain significance for Peroxisome biogenesis disorder 12A (Zellweger). Last evaluated: 2021-07-27. Review status: criteria provided, single submitter. Criteria: Invitae Variant Classification Sherloc (09022015). Collection method: clinical testing. Allele origin: germline.
Comment: This sequence change replaces leucine with isoleucine at codon 26 of the PEX19 protein (p.Leu26Ile). The leucine residue is moderately conserved and there is a small physicochemical difference between leucine and isoleucine. This variant is present in population databases (rs146340199, ExAC 0.01%). This variant has not been reported in the literature in individuals affected with PEX19-related conditions. Algorithms developed to predict the effect of missense changes on protein structure and function (SIFT, PolyPhen-2, Align-GVGD) all suggest that this variant is likely to be tolerated. In summary, the available evidence is currently insufficient to determine the role of this variant in disease. Therefore, it has been classified as a Variant of Uncertain Significance.

NM_002857.4(PEX19):c.76C>A (p.Leu26Ile)

Gene: PEX19 (peroxisomal biogenesis factor 19; minus strand). Cytogenetic location: 1q23.2.
Variant type: single nucleotide variant.
Coding change: c.76C>A on transcript NM_002857.4 (MANE Select); coding-DNA position 76, C replaced by A.
Protein change: p.Leu26Ile; replaces leucine 26 with isoleucine.
Molecular consequence: missense variant. On other transcripts: non-coding transcript variant (1).
Genome position (GRCh38, 1-based): chr1:160,283,634, G>T on the plus strand (C>A on the coding strand, the complement: PEX19 is on the minus strand). VCF-style: chr1-160283634-G-T. GRCh37 (hg19) VCF-style: chr1-160253424-G-T.
Other names: c.76C>A, p.Leu26Ile (NM_001193644.1); short protein forms L26I.
Identifiers: ClinVar variation 1460614 (VCV001460614.3), dbSNP rs146340199, ClinGen allele CA1197476.